The following continues an entry in ClinVar:

NM_000256.3(MYBPC3):c.2429G>A (p.Arg810His)

Gene: MYBPC3. ClinVar aggregate classification (germline): Conflicting classifications of pathogenicity. Pathogenic (1); Likely pathogenic (15); Uncertain significance (2).

Submissions 18 to 20 of 20:

Laboratory of Genetics and Molecular Cardiology, University of São Paulo
Classification: Likely pathogenic for Hypertrophic cardiomyopathy 4. Review status: criteria provided, single submitter. Criteria: LGCM Criteria August 2015. Collection method: clinical testing. Allele origin: germline. Inheritance: Autosomal dominant inheritance. Affected: yes. Observed: 1 variant allele. Study: Sarcomeric Human Cardiomyopathy Registry (ShaRe).

CSER _CC_NCGL, University of Washington
Classification: Uncertain significance for Cardiomyopathy, hypertrophic. Last evaluated: 2014-06-01. Review status: no assertion criteria provided. Collection method: research. Allele origin: germline. Inheritance: Autosomal dominant inheritance. Study: ESP 6500 variant annotation. Not counted in ClinVar's aggregate classification.
Comment: Variants classified for the Actionable exomic incidental findings in 6503 participants: challenges of variant classification manuscript

Zaffran Lab, Genetics of Cardiac Diseases Laboratory, Marseille Medical Genetics
Classification: Likely pathogenic for hypertrophic cardiomyopathy. Review status: no assertion criteria provided. Collection method: research. Allele origin: unknown. Affected: yes. Not counted in ClinVar's aggregate classification.

Literature cited by the submitters: PubMed 12951062 (cited by 7 submitters); PubMed 15519027 (cited by 8 submitters); PubMed 15936968 (cited by 6 submitters); PubMed 20031618 (cited by 7 submitters); PubMed 20624503 (cited by 5 submitters); PubMed 21185001 (cited by 6 submitters); PubMed 21302287 (cited by 7 submitters); PubMed 25351510 (cited by 3 submitters); PubMed 25524337 (cited by 5 submitters); PubMed 26090888 (cited by 5 submitters); PubMed 34400558 (cited by Ambry Genetics); PubMed 35626289 (cited by 3 submitters); PubMed 36252119 (cited by Ambry Genetics); PubMed 39633578 (cited by Ambry Genetics); PubMed 27483260 (cited by 6 submitters); PubMed 28615295 (cited by Labcorp Genetics (formerly Invitae), Labcorp and Mayo Clinic Laboratories, Mayo Clinic); PubMed 27532257 (cited by 5 submitters); PubMed 27600940 (cited by 4 submitters); PubMed 30847666 (cited by 4 submitters); PubMed 32841044 (cited by 5 submitters); PubMed 37477868 (cited by Color Diagnostics, LLC DBA Color Health); PubMed 38002985 (cited by Color Diagnostics, LLC DBA Color Health); PubMed 38489124 (cited by Color Diagnostics, LLC DBA Color Health); PubMed 38757491 (cited by Color Diagnostics, LLC DBA Color Health); PubMed 38795101 (cited by Color Diagnostics, LLC DBA Color Health); PubMed 21839045 (cited by Mayo Clinic Laboratories, Mayo Clinic); PubMed 21835320 (cited by Victorian Clinical Genetics Services, Murdoch Childrens Research Institute); PubMed 28840316 (cited by Victorian Clinical Genetics Services, Murdoch Childrens Research Institute); PubMed 33558530 (cited by Victorian Clinical Genetics Services, Murdoch Childrens Research Institute); PubMed 2861529 (cited by Molecular Genetics, Royal Melbourne Hospital); PubMed 21158001 (cited by Molecular Genetics, Royal Melbourne Hospital); PubMed 25637381 (cited by Molecular Genetics, Royal Melbourne Hospital and Laboratory for Molecular Medicine, Mass General Brigham Personalized Medicine); PubMed 23299917 (cited by Laboratory for Molecular Medicine, Mass General Brigham Personalized Medicine); PubMed 25335496 (cited by Laboratory for Molecular Medicine, Mass General Brigham Personalized Medicine); PubMed 18761664 (cited by Laboratory for Molecular Medicine, Mass General Brigham Personalized Medicine); PubMed 21415409 (cited by Laboratory for Molecular Medicine, Mass General Brigham Personalized Medicine); PubMed 15115610 (cited by Laboratory for Molecular Medicine, Mass General Brigham Personalized Medicine).